The following is an entry in ClinVar:

NM_004360.5(CDH1):c.1770C>A (p.Asp590Glu)

Gene: CDH1 (cadherin 1; plus strand). Cytogenetic location: 16q22.1.
Variant type: single nucleotide variant.
Coding change: c.1770C>A on transcript NM_004360.5 (MANE Select); coding-DNA position 1770, C replaced by A.
Protein change: p.Asp590Glu; replaces aspartic acid 590 with glutamic acid.
Molecular consequence: missense variant. On other transcripts: 5 prime UTR variant (1).
Genome position (GRCh38, 1-based): chr16:68,822,059, C>A. VCF-style: chr16-68822059-C-A. GRCh37 (hg19) VCF-style: chr16-68855962-C-A.
Other names: c.1770C>A (LRG_301t1); c.1587C>A, p.Asp529Glu (NM_001317184.2); c.222C>A, p.Asp74Glu (NM_001317185.2); c.-196C>A (NM_001317186.2); short protein forms D590E, D529E, D74E.
Identifiers: ClinVar variation 219944 (VCV000219944.20), dbSNP rs864622319, ClinGen allele CA350145.

ClinVar aggregate classification (germline): Uncertain significance. Review status: criteria provided, multiple submitters, no conflicts (2 of 4 stars). 5 submissions from 5 submitters: Uncertain significance (5). Last evaluated 2026-03-01.

Conditions:
CDH1-related diffuse gastric and lobular breast cancer syndrome. Also called: CDH1-related diffuse gastric and lobular breast cancer. Identifiers: MedGen CN311521, MONDO:0100488.
Hereditary diffuse gastric adenocarcinoma (HDGC). Also called: DIFFUSE GASTRIC AND LOBULAR BREAST CANCER SYNDROME. Identifiers: Orphanet 26106, MedGen C1708349, MONDO:0007648, OMIM 137215.
Hereditary cancer-predisposing syndrome. Also called: Hereditary Cancer Syndrome; Tumor predisposition; Hereditary neoplastic syndrome; Neoplastic Syndromes, Hereditary. Identifiers: Orphanet 140162, MedGen C0027672, MeSH D009386, MONDO:0015356.
Familial cancer of breast. Also called: hereditary breast carcinoma; Hereditary breast cancer; BREAST CANCER, FAMILIAL. Identifiers: Orphanet 227535, MedGen C0346153, MONDO:0016419, OMIM 114480. Disease mechanism: loss of function.

Allele frequency attached by ClinVar (database versions not stated): gnomAD exomes below 0.00001; TOPMed below 0.00001; gnomAD 0.00001.
gnomAD v4.1: 2 of 1,614,076 alleles (0.00012%); highest among the groups gnomAD compares: Non-Finnish European, 0.00017%; no homozygotes.

Submissions (5):

Ambry Genetics
Classification: Uncertain significance for Hereditary cancer-predisposing syndrome. Last evaluated: 2026-03-01. Review status: criteria provided, single submitter. Criteria: Ambry Variant Classification Scheme 2023. Collection method: clinical testing. Allele origin: germline.
Comment: The c.1770C>A (p.D590E) alteration is located in exon 12 (coding exon 12) of the CDH1 gene. This alteration results from a C to A substitution at nucleotide position 1770, causing the aspartic acid (D) at amino acid position 590 to be replaced by a glutamic acid (E). Based on data from gnomAD, the A allele has an overall frequency of 0.003% (1/31390) total alleles studied. The highest observed frequency was 0.007% (1/15426) of European (non-Finnish) alleles. Based on insufficient or conflicting evidence, the clinical significance of this alteration remains unclear.

Hema, HEMA – Genetic and Molecular Diagnostic Laboratory
Classification: Uncertain significance for CDH1-related diffuse gastric and lobular breast cancer syndrome. Last evaluated: 2025-09-14. Review status: criteria provided, single submitter. Criteria: HEMA Variant Classification Assertion Criteria. Collection method: clinical testing. Allele origin: germline.
Comment: It is a transversion from cytosine to adenine, resulting in the substitution of aspartic acid 590 by glutamic acid. PM2_Supporting: Present at very low frequency in the gnomAD v4.1.0 database.

Labcorp Genetics (formerly Invitae), Labcorp
Classification: Uncertain significance for Hereditary diffuse gastric adenocarcinoma. Last evaluated: 2025-08-06. Review status: criteria provided, single submitter. Criteria: Invitae Variant Classification Sherloc (09022015). Collection method: clinical testing. Allele origin: germline.
Comment: This sequence change replaces aspartic acid, which is acidic and polar, with glutamic acid, which is acidic and polar, at codon 590 of the CDH1 protein (p.Asp590Glu). This variant is present in population databases (no rsID available, gnomAD 0.007%). This variant has not been reported in the literature in individuals affected with CDH1-related conditions. ClinVar contains an entry for this variant (Variation ID: 219944). An algorithm developed to predict the effect of missense changes on protein structure and function (PolyPhen-2) suggests that this variant is likely to be tolerated. In summary, the available evidence is currently insufficient to determine the role of this variant in disease. Therefore, it has been classified as a Variant of Uncertain Significance.

Color Diagnostics, LLC DBA Color Health
Classification: Uncertain significance for Hereditary cancer-predisposing syndrome. Last evaluated: 2023-12-05. Review status: criteria provided, single submitter. Criteria: ACMG Guidelines, 2015. Collection method: clinical testing. Allele origin: germline.
Comment: This missense variant replaces aspartic acid with glutamic acid at codon 590 of the CDH1 protein. To our knowledge, functional studies have not been reported for this variant. This variant has not been reported in individuals affected with hereditary cancer in the literature. This variant has been identified in 1/31390 chromosomes in the general population by the Genome Aggregation Database (gnomAD). The available evidence is insufficient to determine the role of this variant in disease conclusively. Therefore, this variant is classified as a Variant of Uncertain Significance.

Baylor Genetics
Classification: Uncertain significance for Familial cancer of breast. Last evaluated: 2023-11-26. Review status: criteria provided, single submitter. Criteria: ACMG Guidelines, 2015. Collection method: clinical testing. Allele origin: unknown.